The following is an entry in ClinVar:

NM_000478.6(ALPL):c.1429C>A (p.Gln477Lys)

Gene: ALPL (alkaline phosphatase, biomineralization associated; plus strand). Cytogenetic location: 1p36.12.
Variant type: single nucleotide variant.
Coding change: c.1429C>A on transcript NM_000478.6 (MANE Select); coding-DNA position 1429, C replaced by A.
Protein change: p.Gln477Lys; replaces glutamine 477 with lysine.
Molecular consequence: missense variant.
Genome position (GRCh38, 1-based): chr1:21,577,502, C>A. VCF-style: chr1-21577502-C-A. GRCh37 (hg19) VCF-style: chr1-21903995-C-A.
Other names: c.1264C>A, p.Gln422Lys (NM_001127501.4); c.1198C>A, p.Gln400Lys (NM_001177520.3); c.1429C>A, p.Gln477Lys (NM_001369803.2, NM_001369804.2, NM_001369805.2); short protein forms Q422K, Q400K, Q477K.
Identifiers: ClinVar variation 2021042 (VCV002021042.4), dbSNP rs1644755604, ClinGen allele CA338882180.

ClinVar aggregate classification (germline): Pathogenic (1 of 4 stars; one submission).

Submission:

Labcorp Genetics (formerly Invitae), Labcorp
Classification: Pathogenic. Last evaluated: 2022-10-03. Review status: criteria provided, single submitter. Criteria: Invitae Variant Classification Sherloc (09022015). Collection method: clinical testing. Allele origin: germline.
Comment: For these reasons, this variant has been classified as Pathogenic. Advanced modeling of protein sequence and biophysical properties (such as structural, functional, and spatial information, amino acid conservation, physicochemical variation, residue mobility, and thermodynamic stability) performed at Invitae indicates that this missense variant is expected to disrupt ALPL protein function. This missense change has been observed in individual(s) with hypophosphatasia (Invitae). In at least one individual the variant was observed to be de novo. This variant is not present in population databases (gnomAD no frequency). This sequence change replaces glutamine, which is neutral and polar, with lysine, which is basic and polar, at codon 477 of the ALPL protein (p.Gln477Lys).